The following is an entry in ClinVar:

ClinVar aggregate classification (germline): Uncertain significance. Review status: criteria provided, multiple submitters, no conflicts (2 of 4 stars). 2 submissions from 2 submitters: Uncertain significance (2). Last evaluated 2025-09-28.

Allele frequency attached by ClinVar (database versions not stated): gnomAD exomes 0.00003 and 0.00005; ExAC 0.00006; TOPMed 0.00011; gnomAD 0.00013 and 0.00015.
gnomAD v4.1: 81 of 1,614,204 alleles (0.005%); highest among the groups gnomAD compares: Middle Eastern, 0.083%; no homozygotes.

Submissions (2):

Labcorp Genetics (formerly Invitae), Labcorp
Classification: Uncertain significance. Last evaluated: 2025-09-28. Review status: criteria provided, single submitter. Criteria: Invitae Variant Classification Sherloc (09022015). Collection method: clinical testing. Allele origin: germline.
Comment: This sequence change replaces proline, which is neutral and non-polar, with leucine, which is neutral and non-polar, at codon 162 of the ANKZF1 protein (p.Pro162Leu). This variant is present in population databases (rs748200374, gnomAD 0.03%). This variant has not been reported in the literature in individuals affected with ANKZF1-related conditions. ClinVar contains an entry for this variant (Variation ID: 1435945). An algorithm developed to predict the effect of missense changes on protein structure and function (PolyPhen-2) suggests that this variant is likely to be tolerated. In summary, the available evidence is currently insufficient to determine the role of this variant in disease. Therefore, it has been classified as a Variant of Uncertain Significance.

Ambry Genetics
Classification: Uncertain significance. Last evaluated: 2021-10-27. Review status: criteria provided, single submitter. Criteria: Ambry Variant Classification Scheme 2023. Collection method: clinical testing. Allele origin: germline.

NM_018089.3(ANKZF1):c.485C>T (p.Pro162Leu)

Gene: ANKZF1 (ankyrin repeat and zinc finger peptidyl tRNA hydrolase 1; plus strand). Cytogenetic location: 2q35.
Variant type: single nucleotide variant.
Coding change: c.485C>T on transcript NM_018089.3 (MANE Select); coding-DNA position 485, C replaced by T.
Protein change: p.Pro162Leu; replaces proline 162 with leucine.
Molecular consequence: missense variant. On other transcripts: 5 prime UTR variant (1).
Genome position (GRCh38, 1-based): chr2:219,232,610, C>T. VCF-style: chr2-219232610-C-T. GRCh37 (hg19) VCF-style: chr2-220097332-C-T.
Other names: c.485C>T, p.Pro162Leu (NM_001042410.2); c.-146C>T (NM_001282792.2); c.485C>T (NM_018089.2); short protein forms P162L.
Identifiers: ClinVar variation 1435945 (VCV001435945.7), dbSNP rs748200374, ClinGen allele CA2120762.